The following is an entry in ClinVar:

NM_000454.5(SOD1):c.43G>A (p.Val15Met)

Genes: SOD1 (superoxide dismutase 1; plus strand), SOD1-DT (SOD1 divergent transcript; minus strand). Cytogenetic location: 21q22.11.
Variant type: single nucleotide variant.
Coding change: c.43G>A on transcript NM_000454.5 (MANE Select); coding-DNA position 43, G replaced by A.
Protein change: p.Val15Met; replaces valine 15 with methionine.
Molecular consequence: missense variant.
Genome position (GRCh38, 1-based): chr21:31,659,812, G>A. VCF-style: chr21-31659812-G-A. GRCh37 (hg19) VCF-style: chr21-33032125-G-A.
Other names: p.Val15Met; short protein forms V15M.
Identifiers: ClinVar variation 873322 (VCV000873322.7), dbSNP rs1568807400, ClinGen allele CA410036005.

ClinVar aggregate classification (germline): Pathogenic/Likely pathogenic. Review status: criteria provided, multiple submitters, no conflicts (2 of 4 stars). 4 submissions from 4 submitters: Pathogenic (2); Likely pathogenic (2). Last evaluated 2025-06-07.

Conditions:
Amyotrophic lateral sclerosis type 1 (ALS1). Also called: AMYOTROPHIC LATERAL SCLEROSIS 1, FAMILIAL. Identifiers: Orphanet 803, MedGen C1862939, MONDO:0007103, OMIM 105400.

Submissions (4):

Labcorp Genetics (formerly Invitae), Labcorp
Classification: Likely pathogenic for Amyotrophic lateral sclerosis type 1. Last evaluated: 2025-06-07. Review status: criteria provided, single submitter. Criteria: Invitae Variant Classification Sherloc (09022015). Collection method: clinical testing. Allele origin: germline.
Comment: This sequence change replaces valine, which is neutral and non-polar, with methionine, which is neutral and non-polar, at codon 15 of the SOD1 protein (p.Val15Met). This variant is not present in population databases (gnomAD no frequency). This missense change has been observed in individual(s) with autosomal dominant amyotrophic lateral sclerosis (PMID: 7655471, 25585530, 28222900, 37668704). This variant is also known as p.Val14Met. ClinVar contains an entry for this variant (Variation ID: 873322). Invitae Evidence Modeling of protein sequence and biophysical properties (such as structural, functional, and spatial information, amino acid conservation, physicochemical variation, residue mobility, and thermodynamic stability) indicates that this missense variant is expected to disrupt SOD1 protein function with a positive predictive value of 95%. Experimental studies have shown that this missense change affects SOD1 function (PMID: 19483195, 23280792). This variant disrupts the p.Val15 amino acid residue in SOD1. Other variant(s) that disrupt this residue have been determined to be pathogenic (PMID: 9365366; internal data). This suggests that this residue is clinically significant, and that variants that disrupt this residue are likely to be disease-causing. In summary, the currently available evidence indicates that the variant is pathogenic, but additional data are needed to prove that conclusively. Therefore, this variant has been classified as Likely Pathogenic.

Human Genome Lab, NIMHANS, National Institute of Mental Health and Neuro Sciences
Classification: Pathogenic for Amyotrophic lateral sclerosis type 1. Last evaluated: 2025-04-17. Review status: criteria provided, single submitter. Criteria: ACMG Guidelines, 2015. Collection method: clinical testing. Allele origin: germline. Inheritance: Autosomal dominant inheritance. Affected: yes. Observed: 1 homozygote.
Comment: The SOD1 gene encodes superoxide dismutase-1, a cytoplasmic antioxidant enzyme that metabolizes superoxide radicals to molecular oxygen and hydrogen peroxide, thus providing a defense against oxygen toxicity. The genomic variant c.43G>A p.Val15Met rs1568807400 on the SOD1 gene is a missense mutation, which results in the substitution of valine with methionine at the 15th amino acid position of the SOD1 protein. This variant has been classified as likely pathogenic according to the criteria set forth by the American College of Medical Genetics and Genomics and the Association for Molecular Pathology (ACMG-AMP) [1]. The classification is supported by multiple lines of evidence, including its absence in population databases, which suggests it is not a common polymorphism in the general population (PM2 criterion) [1].

MGZ Medical Genetics Center
Classification: Pathogenic for Amyotrophic lateral sclerosis type 1. Last evaluated: 2022-03-01. Review status: criteria provided, single submitter. Criteria: ACMG Guidelines, 2015. Collection method: clinical testing. Allele origin: germline. Affected: yes. Observed: 1 variant allele.
Comment: ACMG criteria applied: PS4, PM1, PM5, PM2_SUP, PP3

Suna and Inan Kirac Foundation Neurodegeneration Research Laboratory, Koc University
Classification: Likely pathogenic for Amyotrophic lateral sclerosis type 1. Last evaluated: 2020-03-31. Review status: criteria provided, single submitter. Criteria: ACMG Guidelines, 2015. Collection method: research. Allele origin: germline. Affected: yes. Observed: 1 variant allele.

Literature cited by the submitters: PubMed 7655471 (cited by Labcorp Genetics (formerly Invitae), Labcorp); PubMed 25585530 (cited by Labcorp Genetics (formerly Invitae), Labcorp); PubMed 28222900 (cited by Labcorp Genetics (formerly Invitae), Labcorp); PubMed 37668704 (cited by Labcorp Genetics (formerly Invitae), Labcorp); PubMed 19483195 (cited by Labcorp Genetics (formerly Invitae), Labcorp); PubMed 23280792 (cited by Labcorp Genetics (formerly Invitae), Labcorp); PubMed 9365366 (cited by Labcorp Genetics (formerly Invitae), Labcorp).